The following is an entry in ClinVar:

ClinVar aggregate classification (germline): Benign (1 of 4 stars; one submission).

Allele frequency attached by ClinVar (database versions not stated): gnomAD 0.09094 and 0.09172; TOPMed 0.10332; 1000 Genomes Project 30x 0.13538; 1000 Genomes Project 0.13798.

Submission:

GeneDx
Classification: Benign. Last evaluated: 2018-06-14. Review status: criteria provided, single submitter. Criteria: GeneDx Variant Classification (06012015). Collection method: clinical testing. Allele origin: germline. Affected: yes.
Comment: This variant is considered likely benign or benign based on one or more of the following criteria: it is a conservative change, it occurs at a poorly conserved position in the protein, it is predicted to be benign by multiple in silico algorithms, and/or has population frequency not consistent with disease.

NM_006514.4(SCN10A):c.2280+298C>T

Gene: SCN10A (sodium voltage-gated channel alpha subunit 10; minus strand). Cytogenetic location: 3p22.2.
Variant type: single nucleotide variant.
Coding change: c.2280+298C>T on transcript NM_006514.4 (MANE Select); 298 bases into the intron after coding-DNA position 2280, C replaced by T.
Molecular consequence: intron variant.
Genome position (GRCh38, 1-based): chr3:38,739,217, G>A on the plus strand (C>T on the coding strand, the complement: SCN10A is on the minus strand). VCF-style: chr3-38739217-G-A. GRCh37 (hg19) VCF-style: chr3-38780708-G-A.
Other names: c.1986+298C>T (NM_001293307.2); c.2280+298C>T (NM_001293306.2).
Identifiers: ClinVar variation 669843 (VCV000669843.1), dbSNP rs72866253, ClinGen allele CA11529573.